The following is an entry in ClinVar:

ClinVar aggregate classification (germline): Uncertain significance (1 of 4 stars; one submission).

Conditions:
ERBB3-related disorder. Also called: ERBB3-related condition.

gnomAD v4.1: 10 of 1,614,050 alleles (0.00062%); highest among the groups gnomAD compares: Non-Finnish European, 0.00085%; no homozygotes.

Submission:

PreventionGenetics, part of Exact Sciences
Classification: Uncertain significance for ERBB3-related condition. Last evaluated: 2026-03-31. Review status: criteria provided, single submitter. Criteria: ACMG Guidelines, 2015. Collection method: clinical testing. Allele origin: germline.
Comment: The ERBB3 c.1109+5G>A variant is predicted to interfere with splicing. To our knowledge, this variant has not been reported in the literature. This variant is absent in a large population database (gnomAD), indicating this variant is rare. At this time, the clinical significance of this variant is uncertain due to the absence of conclusive functional and genetic evidence.

NM_001982.4(ERBB3):c.1109+5G>A

Gene: ERBB3 (erb-b2 receptor tyrosine kinase 3; plus strand). Cytogenetic location: 12q13.2.
Variant type: single nucleotide variant.
Coding change: c.1109+5G>A on transcript NM_001982.4 (MANE Select); 5 bases into the intron after coding-DNA position 1109, G replaced by A.
Molecular consequence: intron variant.
Genome position (GRCh38, 1-based): chr12:56,088,873, G>A. VCF-style: chr12-56088873-G-A. GRCh37 (hg19) VCF-style: chr12-56482657-G-A.
Identifiers: ClinVar variation 4993798 (VCV004993798.1).